The following is an entry in ClinVar:

ClinVar aggregate classification (germline): Uncertain significance. Review status: criteria provided, multiple submitters, no conflicts (2 of 4 stars). 2 submissions from 2 submitters: Uncertain significance (2). Last evaluated 2023-10-24.

Conditions:
Cardiovascular phenotype. Identifiers: MedGen CN230736.
Long QT syndrome (LQTS). Identifiers: MedGen C0023976, MeSH D008133, MONDO:0002442. Disease mechanism: loss of function. Inheritance: Various modes of inheritance.

Allele frequency attached by ClinVar (database versions not stated): gnomAD exomes below 0.00001; gnomAD 0.00001.
gnomAD v4.1: 6 of 1,613,494 alleles (0.00037%); highest among the groups gnomAD compares: African/African-American, 0.0013%; no homozygotes.

Submissions (2):

Ambry Genetics
Classification: Uncertain significance for Cardiovascular phenotype. Last evaluated: 2023-10-24. Review status: criteria provided, single submitter. Criteria: Ambry Variant Classification Scheme 2023. Collection method: clinical testing. Allele origin: germline.
Comment: The p.R3454* variant (also known as c.10360C>T), located in coding exon 41 of the AKAP9 gene, results from a C to T substitution at nucleotide position 10360. This changes the amino acid from an arginine to a stop codon within coding exon 41. This alteration is expected to result in loss of function by premature protein truncation or nonsense-mediated mRNA decay. However, the evidence for this gene-disease relationship is limited; therefore, the clinical significance of this alteration is unclear.

Labcorp Genetics (formerly Invitae), Labcorp
Classification: Uncertain significance for Long QT syndrome. Last evaluated: 2021-05-19. Review status: criteria provided, single submitter. Criteria: Invitae Variant Classification Sherloc (09022015). Collection method: clinical testing. Allele origin: germline.
Comment: In summary, the available evidence is currently insufficient to determine the role of this variant in disease. Therefore, it has been classified as a Variant of Uncertain Significance. This variant has not been reported in the literature in individuals with AKAP9-related conditions. This variant is not present in population databases (ExAC no frequency). This sequence change creates a premature translational stop signal (p.Arg3454*) in the AKAP9 gene. It is expected to result in an absent or disrupted protein product. However, the current clinical and genetic evidence is not sufficient to establish whether loss-of-function variants in AKAP9 cause disease.

NM_005751.5(AKAP9):c.10360C>T (p.Arg3454Ter)

Gene: AKAP9 (A-kinase anchoring protein 9; plus strand). Cytogenetic location: 7q21.2.
Variant type: single nucleotide variant.
Coding change: c.10360C>T on transcript NM_005751.5 (MANE Select); coding-DNA position 10360, C replaced by T.
Protein change: p.Arg3454Ter; replaces arginine 3454 with a stop codon.
Molecular consequence: nonsense.
Genome position (GRCh38, 1-based): chr7:92,097,319, C>T. VCF-style: chr7-92097319-C-T. GRCh37 (hg19) VCF-style: chr7-91726633-C-T.
Other names: c.10360C>T (NM_005751.4); c.5005C>T, p.Arg1669Ter (NM_001379277.1); c.10336C>T, p.Arg3446Ter (NM_147185.3); short protein forms R1669*, R3446*, R3454*.
Identifiers: ClinVar variation 1407102 (VCV001407102.7), dbSNP rs1471739869, ClinGen allele CA368155708.